The following is an entry in ClinVar:

ClinVar aggregate classification (germline): Uncertain significance (1 of 4 stars; one submission).

gnomAD v4.1: 4 of 1,543,562 alleles (0.00026%); highest among the groups gnomAD compares: South Asian, 0.0025%; no homozygotes.

Submission:

Ambry Genetics
Classification: Uncertain significance. Last evaluated: 2024-06-30. Review status: criteria provided, single submitter. Criteria: Ambry Variant Classification Scheme 2023. Collection method: clinical testing. Allele origin: germline.
Comment: The p.I441V variant (also known as c.1321A>G), located in coding exon 13 of the RASA2 gene, results from an A to G substitution at nucleotide position 1321. The isoleucine at codon 441 is replaced by valine, an amino acid with highly similar properties. This amino acid position is conserved. In addition, this alteration is predicted to be tolerated by in silico analysis. Based on the available evidence, the clinical significance of this variant remains unclear.

NM_006506.5(RASA2):c.1321A>G (p.Ile441Val)

Gene: RASA2 (RAS p21 protein activator 2; plus strand). Cytogenetic location: 3q23.
Variant type: single nucleotide variant.
Coding change: c.1321A>G on transcript NM_006506.5 (MANE Select); coding-DNA position 1321, A replaced by G.
Protein change: p.Ile441Val; replaces isoleucine 441 with valine.
Molecular consequence: missense variant.
Genome position (GRCh38, 1-based): chr3:141,573,183, A>G. VCF-style: chr3-141573183-A-G. GRCh37 (hg19) VCF-style: chr3-141292025-A-G.
Other names: c.1321A>G, p.Ile441Val (NM_001303245.3, NM_001303246.3); short protein forms I441V.
Identifiers: ClinVar variation 3430473 (VCV003430473.1).
Genomic context (GRCh38, chr3:141,573,183, plus strand): 5'-TTAACTGAAAAATTTATTTTTCAGATATGTGACTCCTCAAAATCCTGTGAAATCGATCCT[A>G]TTAAATTGAAAGAGGGAGATAATGTAGAAAATAATAAGGTAAGTCCTTGTTATATTATTT-3'
Protein context (NP_006497.2, residues 431-451): DSSKSCEIDP[Ile441Val]KLKEGDNVEN